The following is an entry in ClinVar:

NM_005422.4(TECTA):c.5372C>G (p.Pro1791Arg)

Genes: TBCEL-TECTA (TBCEL-TECTA readthrough; plus strand), TECTA (tectorin alpha; plus strand). Cytogenetic location: 11q23.3.
Variant type: single nucleotide variant.
Coding change: c.5372C>G on transcript NM_005422.4 (MANE Select); coding-DNA position 5372, C replaced by G.
Protein change: p.Pro1791Arg; replaces proline 1791 with arginine.
Molecular consequence: missense variant.
Genome position (GRCh38, 1-based): chr11:121,165,372, C>G. VCF-style: chr11-121165372-C-G. GRCh37 (hg19) VCF-style: chr11-121036081-C-G.
Other names: c.6314C>G, p.Pro2105Arg (NM_001378761.1); short protein forms P1791R, P2105R.
Identifiers: ClinVar variation 1178462 (VCV001178462.9), dbSNP rs754213928, ClinGen allele CA6327709.

ClinVar aggregate classification (germline): Conflicting classifications of pathogenicity. Review status: criteria provided, conflicting classifications (1 of 4 stars). 3 submissions from 3 submitters: Uncertain significance (2); Likely benign (1). Last evaluated 2026-01-20.

Conditions:
TECTA-related disorder. Also called: TECTA-related condition.

Allele frequency attached by ClinVar (database versions not stated): gnomAD 0.00001; TOPMed 0.00002; 1000 Genomes Project 30x 0.00016.
gnomAD v4.1: 26 of 1,589,402 alleles (0.0016%); highest among the groups gnomAD compares: East Asian, 0.043%; no homozygotes.

Submissions (3):

PreventionGenetics, part of Exact Sciences
Classification: Uncertain significance for TECTA-related condition. Last evaluated: 2026-01-20. Review status: criteria provided, single submitter. Criteria: ACMG Guidelines, 2015. Collection method: clinical testing. Allele origin: germline.
Comment: The TECTA c.5372C>G variant is predicted to result in the amino acid substitution p.Pro1791Arg. This variant has been reported in multiple individuals with autosomal dominant or autosomal recessive nonsyndromic hearing loss; however, evidence supporting pathogenicity was not provided (Hildebrand et al. 2011. PubMed ID: 21520338; Yasukawa et al. 2019. PubMed ID: 31554319; Wu et al. 2019. PubMed ID: 31581539; Table S2, Usami and Nishio 2022. PubMed ID: 34599366). This variant has also been reported in a patient with prelingual mid-frequency hearing loss but was absent in the mother with adult-onset hearing loss but present in an unaffected sister (Yamamoto et al. 2017. PubMed ID: 28946916). This variant is reported in 0.10% of alleles in individuals of East Asian descent in gnomAD. Although we suspect that this variant may be benign, the clinical significance of this variant is uncertain at this time due to the absence of conclusive functional and genetic evidence.

GeneDx
Classification: Uncertain significance. Last evaluated: 2024-08-12. Review status: criteria provided, single submitter. Criteria: GeneDx Variant Classification Process June 2021. Collection method: clinical testing. Allele origin: germline. Affected: yes.
Comment: Identified as heterozygous in patients with sensorineural hearing loss in published literature, however, specific patient information was not provided in some cases (PMID: 21520338, 31581539, 31554319); Identified in additional patients with sensorineural hearing loss in published literature, however, the variant did not segregate with hearing loss in one reported family and hearing loss was attributed to a different etiology in another family (PMID: 28946916, 32728090); In silico analysis indicates that this missense variant does not alter protein structure/function; This variant is associated with the following publications: (PMID: 27368438, 22995349, 31554319, 31581539, 32728090, 21520338, 28946916)

Labcorp Genetics (formerly Invitae), Labcorp
Classification: Likely benign. Last evaluated: 2023-11-12. Review status: criteria provided, single submitter. Criteria: Invitae Variant Classification Sherloc (09022015). Collection method: clinical testing. Allele origin: germline.